The following is an entry in ClinVar:

ClinVar aggregate classification (germline): Uncertain significance. Review status: criteria provided, multiple submitters, no conflicts (2 of 4 stars). 2 submissions from 2 submitters: Uncertain significance (2). Last evaluated 2023-09-09.

Conditions:
Cone-rod dystrophy 13 (CORD13). Identifiers: Orphanet 1872, MedGen C2750720, MONDO:0011987, OMIM 608194.
Leber congenital amaurosis 6 (LCA6). Identifiers: Orphanet 65, MedGen C1854260, MONDO:0013446, OMIM 613826.

Submissions (2):

Labcorp Genetics (formerly Invitae), Labcorp
Classification: Uncertain significance for Leber congenital amaurosis 6; Cone-rod dystrophy 13. Last evaluated: 2023-09-09. Review status: criteria provided, single submitter. Criteria: Invitae Variant Classification Sherloc (09022015). Collection method: clinical testing. Allele origin: germline.
Comment: In summary, the available evidence is currently insufficient to determine the role of this variant in disease. Therefore, it has been classified as a Variant of Uncertain Significance. An algorithm developed to predict the effect of missense changes on protein structure and function (PolyPhen-2) suggests that this variant is likely to be tolerated. This variant has not been reported in the literature in individuals affected with RPGRIP1-related conditions. This variant is not present in population databases (gnomAD no frequency). This sequence change replaces glutamine, which is neutral and polar, with glutamic acid, which is acidic and polar, at codon 309 of the RPGRIP1 protein (p.Gln309Glu).

Blueprint Genetics
Classification: Uncertain significance. Last evaluated: 2021-03-24. Review status: criteria provided, single submitter. Criteria: ACMG Guidelines, 2015. Collection method: clinical testing. Allele origin: germline.

NM_020366.4(RPGRIP1):c.925C>G (p.Gln309Glu)

Gene: RPGRIP1 (RPGR interacting protein 1; plus strand). Cytogenetic location: 14q11.2.
Variant type: single nucleotide variant.
Coding change: c.925C>G on transcript NM_020366.4 (MANE Select); coding-DNA position 925, C replaced by G.
Protein change: p.Gln309Glu; replaces glutamine 309 with glutamic acid.
Molecular consequence: missense variant.
Genome position (GRCh38, 1-based): chr14:21,310,602, C>G. VCF-style: chr14-21310602-C-G. GRCh37 (hg19) VCF-style: chr14-21778761-C-G.
Other names: short protein forms Q309E.
Identifiers: ClinVar variation 2947945 (VCV002947945.4), dbSNP rs2502730348, ClinGen allele CA388862095.
Genomic context (GRCh38, chr14:21,310,602, plus strand): 5'-AATTGATAAATCAATAAAATAATAATAATTTCTTTCTTCCAGGCATACGAAACCTTGCTC[C>G]AGAAGGTACTTAATGAGAATTGAGTCTCTGTTTCTTAGTAACCAGAATAATCAAACCCAA-3'
Protein context (NP_065099.3, residues 299-319): EVQEAYETLL[Gln309Glu]KNQGILSAAH